The following is an entry in ClinVar:

NM_001130823.3(DNMT1):c.3316A>G (p.Asn1106Asp)

Gene: DNMT1 (DNA methyltransferase 1; minus strand). Cytogenetic location: 19p13.2.
Variant type: single nucleotide variant.
Coding change: c.3316A>G on transcript NM_001130823.3 (MANE Select); coding-DNA position 3316, A replaced by G.
Protein change: p.Asn1106Asp; replaces asparagine 1106 with aspartic acid.
Molecular consequence: missense variant.
Genome position (GRCh38, 1-based): chr19:10,141,183, T>C on the plus strand (A>G on the coding strand, the complement: DNMT1 is on the minus strand). VCF-style: chr19-10141183-T-C. GRCh37 (hg19) VCF-style: chr19-10251859-T-C.
Other names: c.3268A>G, p.Asn1090Asp (NM_001318730.2, NM_001379.4); c.2953A>G, p.Asn985Asp (NM_001318731.2); short protein forms N1090D, N1106D, N985D.
Identifiers: ClinVar variation 1369302 (VCV001369302.8), dbSNP rs2145267960, ClinGen allele CA403974473.

ClinVar aggregate classification (germline): Uncertain significance (1 of 4 stars; one submission).

Conditions:
Hereditary sensory neuropathy-deafness-dementia syndrome. Also called: Hereditary Sensory and Autonomic Neuropathy Type 1E (HSAN1E); Hereditary sensory neuropathy type IE; NEUROPATHY, HEREDITARY SENSORY, WITH HEARING LOSS AND DEMENTIA; HSN IE. Identifiers: Orphanet 456318, MedGen C3279885, MONDO:0013584, OMIM 614116.

Submission:

Labcorp Genetics (formerly Invitae), Labcorp
Classification: Uncertain significance for Hereditary sensory neuropathy-deafness-dementia syndrome. Last evaluated: 2021-03-26. Review status: criteria provided, single submitter. Criteria: Invitae Variant Classification Sherloc (09022015). Collection method: clinical testing. Allele origin: germline.
Comment: Algorithms developed to predict the effect of missense changes on protein structure and function are either unavailable or do not agree on the potential impact of this missense change (SIFT: "Deleterious"; PolyPhen-2: "Benign"; Align-GVGD: "Class C0"). In summary, the available evidence is currently insufficient to determine the role of this variant in disease. Therefore, it has been classified as a Variant of Uncertain Significance. This variant has not been reported in the literature in individuals with DNMT1-related conditions. This variant is not present in population databases (ExAC no frequency). This sequence change replaces asparagine with aspartic acid at codon 1106 of the DNMT1 protein (p.Asn1106Asp). The asparagine residue is highly conserved and there is a small physicochemical difference between asparagine and aspartic acid.